The following is an entry in ClinVar:

NM_000535.7(PMS2):c.26C>T (p.Thr9Ile)

Gene: PMS2 (PMS1 homolog 2, mismatch repair system component; minus strand). Cytogenetic location: 7p22.1.
Variant type: single nucleotide variant.
Coding change: c.26C>T on transcript NM_000535.7 (MANE Select); coding-DNA position 26, C replaced by T.
Protein change: p.Thr9Ile; replaces threonine 9 with isoleucine.
Molecular consequence: missense variant. On other transcripts: 5 prime UTR variant (3), non-coding transcript variant (1), intron variant (8).
Genome position (GRCh38, 1-based): chr7:6,006,029, G>A on the plus strand (C>T on the coding strand, the complement: PMS2 is on the minus strand). VCF-style: chr7-6006029-G-A. GRCh37 (hg19) VCF-style: chr7-6045660-G-A.
Other names: c.-380C>T (NM_001322005.2); c.26C>T, p.Thr9Ile (NM_001322006.2, NM_001322014.2); c.-190C>T (NM_001322007.2); c.-859C>T (NM_001322011.2); c.-52-1971C>T (NM_001322008.2); c.-242-1971C>T (NM_001322010.2, NM_001322004.2); c.-377-3C>T (NM_001322013.2, NM_001322003.2, NM_001322009.2); c.-856-3C>T (NM_001322012.2); and 1 more; short protein forms T9I.
Identifiers: ClinVar variation 455707 (VCV000455707.24), dbSNP rs1210073386, ClinGen allele CA366745199.

ClinVar aggregate classification (germline): Uncertain significance. Review status: criteria provided, multiple submitters, no conflicts (2 of 4 stars). 6 submissions from 6 submitters: Uncertain significance (6). Last evaluated 2025-11-04.

Conditions:
Hereditary nonpolyposis colorectal neoplasms. Identifiers: MedGen C0009405, MeSH D003123.
Hereditary cancer-predisposing syndrome. Also called: Hereditary Cancer Syndrome; Hereditary neoplastic syndrome; Neoplastic Syndromes, Hereditary; Tumor predisposition. Identifiers: Orphanet 140162, MedGen C0027672, MeSH D009386, MONDO:0015356.
Lynch syndrome. Identifiers: Orphanet 144, MedGen C4552100, MONDO:0005835. Disease mechanism: loss of function.
Lynch syndrome 4 (LYNCH4). Also called: Colorectal cancer, hereditary nonpolyposis, type 4; Hereditary non-polyposis colorectal cancer, type 4. Identifiers: Orphanet 144, MedGen C1838333, MONDO:0013699, OMIM 614337. Disease mechanism: loss of function.

Allele frequency attached by ClinVar (database versions not stated): TOPMed 0.00002.

Submissions (6):

Labcorp Genetics (formerly Invitae), Labcorp
Classification: Uncertain significance for Hereditary nonpolyposis colorectal neoplasms. Last evaluated: 2025-11-04. Review status: criteria provided, single submitter. Criteria: Invitae Variant Classification Sherloc (09022015). Collection method: clinical testing. Allele origin: germline.
Comment: This sequence change replaces threonine, which is neutral and polar, with isoleucine, which is neutral and non-polar, at codon 9 of the PMS2 protein (p.Thr9Ile). This variant is not present in population databases (gnomAD no frequency). This variant has not been reported in the literature in individuals affected with PMS2-related conditions. ClinVar contains an entry for this variant (Variation ID: 455707). Invitae Evidence Modeling incorporating data from in vitro experimental studies (internal data) indicates that this missense variant is not expected to disrupt PMS2 function with a negative predictive value of 95%. In summary, the available evidence is currently insufficient to determine the role of this variant in disease. Therefore, it has been classified as a Variant of Uncertain Significance.

Ambry Genetics
Classification: Uncertain significance for Hereditary cancer-predisposing syndrome. Last evaluated: 2025-05-28. Review status: criteria provided, single submitter. Criteria: Ambry Variant Classification Scheme 2023. Collection method: clinical testing. Allele origin: germline.
Comment: The p.T9I variant (also known as c.26C>T), located in coding exon 2 of the PMS2 gene, results from a C to T substitution at nucleotide position 26. The threonine at codon 9 is replaced by isoleucine, an amino acid with similar properties. This amino acid position is poorly conserved in available vertebrate species. In addition, the in silico prediction for this alteration is inconclusive. Based on the available evidence, the clinical significance of this variant remains unclear.

Color Diagnostics, LLC DBA Color Health
Classification: Uncertain significance for Hereditary cancer-predisposing syndrome. Last evaluated: 2024-12-11. Review status: criteria provided, single submitter. Criteria: ACMG Guidelines, 2015. Collection method: clinical testing. Allele origin: germline.
Comment: This missense variant replaces threonine with isoleucine at codon 9 of the PMS2 protein. Computational prediction is inconclusive regarding the impact of this variant on protein structure and function (internally defined REVEL score threshold 0.5 < inconclusive < 0.7, PMID: 27666373). To our knowledge, functional studies have not been reported for this variant. This variant has not been reported in individuals affected with PMS2-related disorders in the literature. This variant has not been identified in the general population by the Genome Aggregation Database (gnomAD). The available evidence is insufficient to determine the role of this variant in disease conclusively. Therefore, this variant is classified as a Variant of Uncertain Significance.

GeneDx
Classification: Uncertain significance. Last evaluated: 2024-05-24. Review status: criteria provided, single submitter. Criteria: GeneDx Variant Classification Process June 2021. Collection method: clinical testing. Allele origin: germline. Affected: yes.
Comment: In silico analysis indicates that this missense variant does not alter protein structure/function; Has not been previously published as pathogenic or benign to our knowledge; This variant is associated with the following publications: (PMID: 11574484)

Baylor Genetics
Classification: Uncertain significance for Lynch syndrome 4. Last evaluated: 2024-03-12. Review status: criteria provided, single submitter. Criteria: ACMG Guidelines, 2015. Collection method: clinical testing. Allele origin: unknown.

All of Us Research Program, National Institutes of Health
Classification: Uncertain significance for Lynch syndrome. Last evaluated: 2023-10-06. Review status: criteria provided, single submitter. Criteria: ACMG Guidelines, 2015. Collection method: clinical testing. Allele origin: germline. Inheritance: Autosomal dominant inheritance. Observed: 1 variant allele, 1 heterozygote.
Comment: This missense variant replaces threonine with isoleucine at codon 9 of the PMS2 protein. Computational prediction is inconclusive regarding the impact of this variant on protein structure and function (internally defined REVEL score threshold 0.5 < inconclusive < 0.7, PMID: 27666373). To our knowledge, functional studies have not been reported for this variant. This variant has not been reported in individuals affected with PMS2-related disorders in the literature. This variant has not been identified in the general population by the Genome Aggregation Database (gnomAD). The available evidence is insufficient to determine the role of this variant in disease conclusively. Therefore, this variant is classified as a Variant of Uncertain Significance.

This study involves interpretation of variants in research participants for the purpose of population health screening. Participant phenotype was not available at the time of variant classification. Additional details can be found in publication PMID: 35346344, PMCID: PMC8962531